The following is an entry in ClinVar:

ClinVar aggregate classification (germline): Uncertain significance. Review status: criteria provided, multiple submitters, no conflicts (2 of 4 stars). 4 submissions from 4 submitters: Uncertain significance (4). Last evaluated 2026-08-17.

Conditions:
Inborn genetic diseases. Identifiers: MedGen C0950123, MeSH D030342.

Allele frequency attached by ClinVar (database versions not stated): gnomAD 0.00001 and 0.00002; TOPMed below 0.00001; gnomAD exomes 0.00001.
gnomAD v4.1: 12 of 1,612,842 alleles (0.00074%); highest among the groups gnomAD compares: South Asian, 0.0022%; no homozygotes.

Submissions (4):

Ambry Genetics
Classification: Uncertain significance for Inborn genetic diseases. Last evaluated: 2026-08-17. Review status: criteria provided, single submitter. Criteria: Ambry Variant Classification Scheme 2023. Collection method: clinical testing. Allele origin: germline.

Labcorp Genetics (formerly Invitae), Labcorp
Classification: Uncertain significance. Last evaluated: 2025-04-21. Review status: criteria provided, single submitter. Criteria: Invitae Variant Classification Sherloc (09022015). Collection method: clinical testing. Allele origin: germline.
Comment: This sequence change replaces proline, which is neutral and non-polar, with leucine, which is neutral and non-polar, at codon 2988 of the ADGRV1 protein (p.Pro2988Leu). This variant is present in population databases (no rsID available, gnomAD 0.002%). This variant has not been reported in the literature in individuals affected with ADGRV1-related conditions. ClinVar contains an entry for this variant (Variation ID: 857827). Invitae Evidence Modeling of protein sequence and biophysical properties (such as structural, functional, and spatial information, amino acid conservation, physicochemical variation, residue mobility, and thermodynamic stability) indicates that this missense variant is not expected to disrupt ADGRV1 protein function with a negative predictive value of 95%. In summary, the available evidence is currently insufficient to determine the role of this variant in disease. Therefore, it has been classified as a Variant of Uncertain Significance.

Women's Health and Genetics/Laboratory Corporation of America, LabCorp
Classification: Uncertain significance. Last evaluated: 2023-01-10. Review status: criteria provided, single submitter. Criteria: LabCorp Variant Classification Summary - May 2015. Collection method: clinical testing. Allele origin: germline.
Comment: Variant summary: ADGRV1 c.8963C>T (p.Pro2988Leu) results in a non-conservative amino acid change located in the Na-Ca exchanger/integrin-beta4 domain (IPR003644) of the encoded protein sequence. Three of five in-silico tools predict a benign effect of the variant on protein function. The variant allele was found at a frequency of 8e-06 in 249068 control chromosomes (gnomAD). The available data on variant occurrences in the general population are insufficient to allow any conclusion about variant significance. To our knowledge, no occurrence of c.8963C>T in individuals affected with ADGRV1-Related Disorders and no experimental evidence demonstrating its impact on protein function have been reported. One clinical diagnostic laboratory has submitted a clinical-significance assessment for this variant to ClinVar after 2014 and classified the variant as uncertain significance. Based on the evidence outlined above, the variant was classified as uncertain significance.

Blueprint Genetics
Classification: Uncertain significance. Last evaluated: 2018-11-16. Review status: criteria provided, single submitter. Criteria: ACMG Guidelines, 2015. Collection method: clinical testing. Allele origin: germline.

NM_032119.4(ADGRV1):c.8963C>T (p.Pro2988Leu)

Gene: ADGRV1 (adhesion G protein-coupled receptor V1; plus strand). Cytogenetic location: 5q14.3.
Variant type: single nucleotide variant.
Coding change: c.8963C>T on transcript NM_032119.4 (MANE Select); coding-DNA position 8963, C replaced by T.
Protein change: p.Pro2988Leu; replaces proline 2988 with leucine.
Molecular consequence: missense variant. On other transcripts: non-coding transcript variant (1).
Genome position (GRCh38, 1-based): chr5:90,711,243, C>T. VCF-style: chr5-90711243-C-T. GRCh37 (hg19) VCF-style: chr5-90007060-C-T.
Other names: short protein forms P2988L.
Identifiers: ClinVar variation 857827 (VCV000857827.11), dbSNP rs1172291379, ClinGen allele CA360395775.